The following is an entry in ClinVar:

ClinVar aggregate classification (germline): Uncertain significance (1 of 4 stars; one submission).

Submission:

GeneDx
Classification: Uncertain significance. Last evaluated: 2019-11-15. Review status: criteria provided, single submitter. Criteria: GeneDx Variant Classification Process June 2021. Collection method: clinical testing. Allele origin: germline. Affected: yes.
Comment: Not observed in large population cohorts (Lek et al., 2016); Nonsense variant predicted to result in protein truncation or nonsense mediated decay in a gene for which loss-of-function is not a known mechanism of disease; Has not been previously published as pathogenic or benign to our knowledge

NM_021098.3(CACNA1H):c.4842C>A (p.Cys1614Ter)

Gene: CACNA1H (calcium voltage-gated channel subunit alpha1 H; plus strand). Cytogenetic location: 16p13.3.
Variant type: single nucleotide variant.
Coding change: c.4842C>A on transcript NM_021098.3 (MANE Select); coding-DNA position 4842, C replaced by A.
Protein change: p.Cys1614Ter; replaces cysteine 1614 with a stop codon.
Molecular consequence: nonsense.
Genome position (GRCh38, 1-based): chr16:1,213,844, C>A. VCF-style: chr16-1213844-C-A. GRCh37 (hg19) VCF-style: chr16-1263844-C-A.
Other names: c.4824C>A, p.Cys1608Ter (NM_001005407.2); short protein forms C1608*, C1614*.
Identifiers: ClinVar variation 1318952 (VCV001318952.2), dbSNP rs1427804663, ClinGen allele CA394145260.